The following is an entry in ClinVar:

NM_001845.6(COL4A1):c.961G>A (p.Glu321Lys)

Gene: COL4A1 (collagen type IV alpha 1 chain; minus strand). Cytogenetic location: 13q34.
Variant type: single nucleotide variant.
Coding change: c.961G>A on transcript NM_001845.6 (MANE Select); coding-DNA position 961, G replaced by A.
Protein change: p.Glu321Lys; replaces glutamic acid 321 with lysine.
Molecular consequence: missense variant.
Genome position (GRCh38, 1-based): chr13:110,203,604, C>T on the plus strand (G>A on the coding strand, the complement: COL4A1 is on the minus strand). VCF-style: chr13-110203604-C-T. GRCh37 (hg19) VCF-style: chr13-110855951-C-T.
Other names: c.961G>A, p.Glu321Lys (NM_001303110.2); short protein forms E321K.
Identifiers: ClinVar variation 1518800 (VCV001518800.6), dbSNP rs2139194019, ClinGen allele CA388724582.

ClinVar aggregate classification (germline): Uncertain significance (1 of 4 stars; one submission).

Submission:

Labcorp Genetics (formerly Invitae), Labcorp
Classification: Uncertain significance. Last evaluated: 2022-10-03. Review status: criteria provided, single submitter. Criteria: Invitae Variant Classification Sherloc (09022015). Collection method: clinical testing. Allele origin: germline.
Comment: This variant has not been reported in the literature in individuals affected with COL4A1-related conditions. This variant is not present in population databases (gnomAD no frequency). This sequence change replaces glutamic acid, which is acidic and polar, with lysine, which is basic and polar, at codon 321 of the COL4A1 protein (p.Glu321Lys). ClinVar contains an entry for this variant (Variation ID: 1518800). In summary, the available evidence is currently insufficient to determine the role of this variant in disease. Therefore, it has been classified as a Variant of Uncertain Significance. Advanced modeling of protein sequence and biophysical properties (such as structural, functional, and spatial information, amino acid conservation, physicochemical variation, residue mobility, and thermodynamic stability) performed at Invitae indicates that this missense variant is not expected to disrupt COL4A1 protein function.